The following is an entry in ClinVar:

ClinVar aggregate classification (germline): Benign (1 of 4 stars; one submission).

Submission:

GeneDx
Classification: Benign. Last evaluated: 2013-08-05. Review status: criteria provided, single submitter. Criteria: GeneDx Variant Classification (06012015). Collection method: clinical testing. Allele origin: germline.
Comment: The variant is found in FEVERS panel(s).

NM_014646.2:c.+3C>T

Gene: LPIN2 (lipin 2; minus strand). Cytogenetic location: 18p11.31.
Variant type: single nucleotide variant.
Identifiers: ClinVar variation 138139 (VCV000138139.1).